The following is an entry in ClinVar:

NM_000083.3(CLCN1):c.1448G>A (p.Gly483Asp)

Gene: CLCN1 (chloride voltage-gated channel 1; plus strand). Cytogenetic location: 7q34.
Variant type: single nucleotide variant.
Coding change: c.1448G>A on transcript NM_000083.3 (MANE Select); coding-DNA position 1448, G replaced by A.
Protein change: p.Gly483Asp; replaces glycine 483 with aspartic acid.
Molecular consequence: missense variant. On other transcripts: non-coding transcript variant (1).
Genome position (GRCh38, 1-based): chr7:143,339,299, G>A. VCF-style: chr7-143339299-G-A. GRCh37 (hg19) VCF-style: chr7-143036392-G-A.
Other names: short protein forms G483D.
Identifiers: ClinVar variation 1019140 (VCV001019140.10), dbSNP rs1336878695, ClinGen allele CA369645389.

ClinVar aggregate classification (germline): Uncertain significance. Review status: criteria provided, multiple submitters, no conflicts (2 of 4 stars). 2 submissions from 2 submitters: Uncertain significance (2). Last evaluated 2025-02-16.

Conditions:
Congenital myotonia, autosomal recessive form. Also called: myotonia congenita, autosomal recessive; BECKER DISEASE; Becker Generalized Myotonia. Identifiers: Orphanet 614, MedGen C0751360, MONDO:0009715, OMIM 255700.
Congenital myotonia, autosomal dominant form (THD). Also called: THOMSEN DISEASE; Myotonia congenita autosomal dominant. Identifiers: Orphanet 614, MedGen C2936781, MONDO:0008055, OMIM 160800.

Allele frequency attached by ClinVar (database versions not stated): gnomAD exomes below 0.00001; gnomAD 0.00001.
gnomAD v4.1: 6 of 1,612,946 alleles (0.00037%); highest among the groups gnomAD compares: Non-Finnish European, 0.00042%; no homozygotes.

Submissions (2):

Laboratory of Genetics, Children's Clinical University Hospital Latvia
Classification: Uncertain significance. Last evaluated: 2025-02-16. Review status: criteria provided, single submitter. Criteria: ACMG Guidelines, 2015. Collection method: clinical testing. Allele origin: germline. Affected: yes.

Labcorp Genetics (formerly Invitae), Labcorp
Classification: Uncertain significance for Congenital myotonia, autosomal recessive form; Congenital myotonia, autosomal dominant form. Last evaluated: 2024-10-16. Review status: criteria provided, single submitter. Criteria: Invitae Variant Classification Sherloc (09022015). Collection method: clinical testing. Allele origin: germline.
Comment: This sequence change replaces glycine, which is neutral and non-polar, with aspartic acid, which is acidic and polar, at codon 483 of the CLCN1 protein (p.Gly483Asp). This variant is present in population databases (no rsID available, gnomAD 0.01%). This missense change has been observed in individual(s) with myotonia congenita (internal data). ClinVar contains an entry for this variant (Variation ID: 1019140). Invitae Evidence Modeling of protein sequence and biophysical properties (such as structural, functional, and spatial information, amino acid conservation, physicochemical variation, residue mobility, and thermodynamic stability) has been performed for this missense variant. However, the output from this modeling did not meet the statistical confidence thresholds required to predict the impact of this variant on CLCN1 protein function. In summary, the available evidence is currently insufficient to determine the role of this variant in disease. Therefore, it has been classified as a Variant of Uncertain Significance.